The following is an entry in ClinVar:

ClinVar aggregate classification (germline): Uncertain significance (1 of 4 stars; one submission).

Submission:

Ambry Genetics
Classification: Uncertain significance. Last evaluated: 2024-03-24. Review status: criteria provided, single submitter. Criteria: Ambry Variant Classification Scheme 2023. Collection method: clinical testing. Allele origin: germline.
Comment: The p.F357L variant (also known as c.1071T>G), located in coding exon 10 of the RAD54L gene, results from a T to G substitution at nucleotide position 1071. The phenylalanine at codon 357 is replaced by leucine, an amino acid with highly similar properties. This amino acid position is conserved. In addition, this alteration is predicted to be deleterious by in silico analysis. Based on the available evidence, the clinical significance of this alteration remains unclear.

NM_003579.4(RAD54L):c.1071T>G (p.Phe357Leu)

Gene: RAD54L (RAD54 like; plus strand). Cytogenetic location: 1p34.1.
Variant type: single nucleotide variant.
Coding change: c.1071T>G on transcript NM_003579.4 (MANE Select); coding-DNA position 1071, T replaced by G.
Protein change: p.Phe357Leu; replaces phenylalanine 357 with leucine.
Molecular consequence: missense variant.
Genome position (GRCh38, 1-based): chr1:46,270,687, T>G. VCF-style: chr1-46270687-T-G. GRCh37 (hg19) VCF-style: chr1-46736359-T-G.
Other names: c.1071T>G, p.Phe357Leu (NM_001142548.2); c.531T>G, p.Phe177Leu (NM_001370766.1); short protein forms F357L, F177L.
Identifiers: ClinVar variation 3312448 (VCV003312448.1).